The following is an entry in ClinVar:

ClinVar aggregate classification (germline): Benign/Likely benign. Review status: criteria provided, multiple submitters, no conflicts (2 of 4 stars). 3 submissions from 3 submitters: Benign (1); Likely benign (2). Last evaluated 2025-05-13.

Conditions:
Pheochromocytoma/paraganglioma syndrome 5. Also called: Paragangliomas 5; SDHA-Related Hereditary Paraganglioma-Pheochromocytoma Syndrome. Identifiers: Orphanet 29072, MedGen C3279992, MONDO:0013602, OMIM 614165.
Mitochondrial complex II deficiency, nuclear type 1. Also called: SUCCINATE CoQ REDUCTASE DEFICIENCY. Identifiers: Orphanet 3208, MedGen C5700310, MONDO:0100294, OMIM 252011.
Hereditary cancer-predisposing syndrome. Also called: Tumor predisposition; Hereditary neoplastic syndrome; Neoplastic Syndromes, Hereditary; Hereditary Cancer Syndrome. Identifiers: Orphanet 140162, MedGen C0027672, MeSH D009386, MONDO:0015356.

Allele frequency attached by ClinVar (database versions not stated): gnomAD 0.00001; TOPMed 0.00001; ExAC 0.00002.
gnomAD v4.1: 2 of 1,461,142 alleles (0.00014%); highest among the groups gnomAD compares: East Asian, 0.0028%; no homozygotes.

Submissions (3):

Labcorp Genetics (formerly Invitae), Labcorp
Classification: Likely benign for Pheochromocytoma/paraganglioma syndrome 5; Mitochondrial complex II deficiency, nuclear type 1. Last evaluated: 2025-05-13. Review status: criteria provided, single submitter. Criteria: Invitae Variant Classification Sherloc (09022015). Collection method: clinical testing. Allele origin: germline.

Myriad Genetics, Inc.
Classification: Benign for Pheochromocytoma/paraganglioma syndrome 5. Last evaluated: 2025-02-27. Review status: criteria provided, single submitter. Criteria: Myriad Autosomal Dominant, Autosomal Recessive and X-Linked Classification Criteria (2023). Collection method: clinical testing. Allele origin: unknown.
Comment: This variant is considered benign. This variant is a silent/synonymous amino acid change and it is not expected to impact splicing.

Ambry Genetics
Classification: Likely benign for Hereditary cancer-predisposing syndrome. Last evaluated: 2020-06-01. Review status: criteria provided, single submitter. Criteria: Ambry Variant Classification Scheme 2023. Collection method: clinical testing. Allele origin: germline.

Literature cited by the submitters: PubMed 18156177 (cited by Ambry Genetics); PubMed 30541135 (cited by Ambry Genetics).

NM_004168.4(SDHA):c.6G>A (p.Ser2=)

Gene: SDHA (succinate dehydrogenase complex flavoprotein subunit A; plus strand). Cytogenetic location: 5p15.33.
Variant type: single nucleotide variant.
Coding change: c.6G>A on transcript NM_004168.4 (MANE Select); coding-DNA position 6, G replaced by A.
Protein change: p.Ser2=; no amino-acid change (serine 2 retained).
Molecular consequence: synonymous variant.
Genome position (GRCh38, 1-based): chr5:218,361, G>A. VCF-style: chr5-218361-G-A. GRCh37 (hg19) VCF-style: chr5-218476-G-A.
Other names: c.6G>A, p.Ser2= (NM_001294332.2, NM_001330758.2).
Identifiers: ClinVar variation 793653 (VCV000793653.14), dbSNP rs751383247, ClinGen allele CA3172678.